The following is an entry in ClinVar:

NC_000016.9:g.(?_56897677)_(56906303_?)del

Gene: SLC12A3 (solute carrier family 12 member 3; plus strand). Cytogenetic location: 16q13.
Variant type: Deletion.
Identifiers: ClinVar variation 3243581 (VCV003243581.1).

ClinVar aggregate classification (germline): Pathogenic (1 of 4 stars; one submission).

Submission:

Labcorp Genetics (formerly Invitae), Labcorp
Classification: Pathogenic. Last evaluated: 2023-10-18. Review status: criteria provided, single submitter. Criteria: Invitae Variant Classification Sherloc (09022015). Collection method: clinical testing. Allele origin: unknown.
Comment: This variant results in the deletion of exons 1-6 and part of exon 7 (c.-1468_896del) of the SLC12A3 gene. It is expected to result in an absent or disrupted protein product. Loss-of-function variants in SLC12A3 are known to be pathogenic (PMID: 20848653, 22009145, 25841442). A similar copy number variant has been observed in individual(s) with Gitelman syndrome (Invitae). In at least one individual the data is consistent with being in trans (on the opposite chromosome) from a pathogenic variant. ClinVar contains an entry for this variant (Variation ID: 945564). For these reasons, this variant has been classified as Pathogenic.

Literature cited by the submitters: PubMed 20848653; PubMed 22009145; PubMed 25841442.